The following is an entry in ClinVar:

ClinVar aggregate classification (germline): Conflicting classifications of pathogenicity. Review status: criteria provided, conflicting classifications (1 of 4 stars). 5 submissions from 5 submitters: Uncertain significance (1); Benign (1); Likely benign (3). Last evaluated 2026-02-01.

Conditions:
Blau syndrome (BLAUS). Also called: GRANULOMATOSIS, FAMILIAL JUVENILE SYSTEMIC; GRANULOMATOSIS, FAMILIAL, BLAU TYPE; GRANULOMATOUS INFLAMMATORY ARTHRITIS, DERMATITIS, AND UVEITIS, FAMILIAL; JABS SYNDROME; ARTHROCUTANEOUVEAL GRANULOMATOSIS. Identifiers: Orphanet 90340, MedGen C5201146, MONDO:0008523, OMIM 186580.
Regional enteritis. Also called: Enteritis, Granulomatous. Identifiers: MedGen C0678202, MeSH D003424.
Autoinflammatory syndrome. Identifiers: Orphanet 93665, MedGen C3890737, MONDO:0019751.

Allele frequency attached by ClinVar (database versions not stated): gnomAD exomes 0.00005 and 0.00011; ExAC 0.00011; gnomAD 0.00041; ESP Exome Variant Server 0.00046; TOPMed 0.00046; 1000 Genomes Project 0.00100; 1000 Genomes Project 30x 0.00156.
gnomAD v4.1: 140 of 1,614,002 alleles (0.0087%); highest among the groups gnomAD compares: African/African-American, 0.12%; no homozygotes.

Submissions (5):

CeGaT Center for Human Genetics Tuebingen
Classification: Likely benign. Last evaluated: 2026-02-01. Review status: criteria provided, single submitter. Criteria: CeGaT Center For Human Genetics Tuebingen Variant Classification Criteria Version 2. Collection method: clinical testing. Allele origin: germline. Affected: yes. Observed: 1 variant allele.
Comment: NOD2: BP4, BP7

Labcorp Genetics (formerly Invitae), Labcorp
Classification: Benign for Regional enteritis; Blau syndrome. Last evaluated: 2026-01-27. Review status: criteria provided, single submitter. Criteria: Invitae Variant Classification Sherloc (09022015). Collection method: clinical testing. Allele origin: germline.

Blueprint Genetics
Classification: Likely benign. Last evaluated: 2024-03-22. Review status: criteria provided, single submitter. Criteria: ACMG Guidelines, 2015. Collection method: clinical testing. Allele origin: germline.

ARUP Laboratories, Molecular Genetics and Genomics, ARUP Laboratories
Classification: Likely benign. Last evaluated: 2023-05-08. Review status: criteria provided, single submitter. Criteria: ARUP Molecular Germline Variant Investigation Process 2024. Collection method: clinical testing. Allele origin: germline.

Genome Diagnostics Laboratory, The Hospital for Sick Children
Classification: Uncertain significance for Autoinflammatory syndrome. Last evaluated: 2019-04-01. Review status: criteria provided, single submitter. Criteria: ACMG Guidelines, 2015. Collection method: clinical testing. Allele origin: germline. Affected: yes.

NM_001370466.1(NOD2):c.258C>T (p.Asp86=)

Gene: NOD2 (nucleotide binding oligomerization domain containing 2; plus strand). Cytogenetic location: 16q12.1.
Variant type: single nucleotide variant.
Coding change: c.258C>T on transcript NM_001370466.1 (MANE Select); coding-DNA position 258, C replaced by T.
Protein change: p.Asp86=; no amino-acid change (aspartic acid 86 retained).
Molecular consequence: synonymous variant. On other transcripts: non-coding transcript variant (1).
Genome position (GRCh38, 1-based): chr16:50,699,753, C>T. VCF-style: chr16-50699753-C-T. GRCh37 (hg19) VCF-style: chr16-50733664-C-T.
Other names: c.258C>T, p.Asp86= (NM_001293557.2); c.339C>T, p.Asp113= (NM_022162.3).
Identifiers: ClinVar variation 791749 (VCV000791749.20), dbSNP rs138889062, ClinGen allele CA8051258.